The following is an entry in ClinVar:

ClinVar aggregate classification (germline): Benign. Review status: criteria provided, single submitter (1 of 4 stars). 2 submissions from 2 submitters: Benign (1). 1 of the submissions does not count toward it. Last evaluated 2025-05-02.

Conditions:
Holoprosencephaly 11 (HPE11). Identifiers: Orphanet 2162, MedGen C3280215, MONDO:0013642, OMIM 614226.
CDON-related disorder. Also called: CDON-related condition.

Allele frequency attached by ClinVar (database versions not stated): gnomAD exomes 0.00005 and 0.00012; ExAC 0.00015; ESP Exome Variant Server 0.00023; gnomAD 0.00036 and 0.00040; TOPMed 0.00045; 1000 Genomes Project 30x 0.00047; 1000 Genomes Project 0.00060.
gnomAD v4.1: 131 of 1,614,138 alleles (0.0081%); highest among the groups gnomAD compares: African/African-American, 0.12%; no homozygotes.

Submissions (2):

Labcorp Genetics (formerly Invitae), Labcorp
Classification: Benign for Holoprosencephaly 11. Last evaluated: 2025-05-02. Review status: criteria provided, single submitter. Criteria: Invitae Variant Classification Sherloc (09022015). Collection method: clinical testing. Allele origin: germline.

PreventionGenetics, part of Exact Sciences
Classification: Likely benign for CDON-related condition. Last evaluated: 2019-06-25. Review status: no assertion criteria provided. Collection method: clinical testing. Allele origin: germline. Not counted in ClinVar's aggregate classification.
Comment: This variant is classified as likely benign based on ACMG/AMP sequence variant interpretation guidelines (Richards et al. 2015 PMID: 25741868, with internal and published modifications).

NM_001378964.1(CDON):c.726G>A (p.Glu242=)

Gene: CDON (cell adhesion associated, oncogene regulated; minus strand). Cytogenetic location: 11q24.2.
Variant type: single nucleotide variant.
Coding change: c.726G>A on transcript NM_001378964.1 (MANE Select); coding-DNA position 726, G replaced by A.
Protein change: p.Glu242=; no amino-acid change (glutamic acid 242 retained).
Molecular consequence: synonymous variant.
Genome position (GRCh38, 1-based): chr11:126,017,290, C>T on the plus strand (G>A on the coding strand, the complement: CDON is on the minus strand). VCF-style: chr11-126017290-C-T. GRCh37 (hg19) VCF-style: chr11-125887185-C-T.
Other names: c.726G>A, p.Glu242= (NM_001243597.3, NM_016952.6).
Identifiers: ClinVar variation 698109 (VCV000698109.9), dbSNP rs142667570, ClinGen allele CA6352255.